The following is an entry in ClinVar:

ClinVar aggregate classification (germline): Likely pathogenic. Review status: criteria provided, multiple submitters, no conflicts (2 of 4 stars). 2 submissions from 2 submitters: Likely pathogenic (2). Last evaluated 2024-02-29.

Conditions:
Peroxisome biogenesis disorder 1B (PBD1B). Also called: Refsum disease, infantile form; Infantile Refsum disease; Infantile form of phytanic acid storage disease; PEROXISOME BIOGENESIS DISORDER (NEONATAL ADRENOLEUKODYSTROPHY/INFANTILE REFSUM DISEASE); INFANTILE PHYTANIC ACID STORAGE DISEASE; PEROXISOME BIOGENESIS DISORDER (NALD/IRD). Identifiers: Orphanet 44, MedGen C0282527, MONDO:0011101, OMIM 601539.
Heimler syndrome 1 (HMLR1). Also called: PEROXISOME BIOGENESIS DISORDER 1C. Identifiers: Orphanet 3220, MedGen C4551980, OMIM 234580, MONDO:0024544.
Peroxisome biogenesis disorder 1A (Zellweger) (PBD1A). Also called: Peroxisome biogenesis disorder 1a; Zellweger leukodystrophy. Identifiers: MedGen C4721541, MONDO:0008953, OMIM 214100.
Peroxisome biogenesis disorder. Identifiers: Orphanet 79189, MedGen C1832200, MONDO:0019234. Disease mechanism: loss of function.

Submissions (2):

Fulgent Genetics
Classification: Likely pathogenic for Peroxisome biogenesis disorder 1A (Zellweger); Heimler syndrome 1; Peroxisome biogenesis disorder 1B. Last evaluated: 2024-02-29. Review status: criteria provided, single submitter. Criteria: ACMG Guidelines, 2015. Collection method: clinical testing. Allele origin: germline.

Myriad Genetics, Inc.
Classification: Likely pathogenic for Peroxisome biogenesis disorder. Last evaluated: 2021-12-17. Review status: criteria provided, single submitter. Criteria: Myriad Autosomal Dominant, Autosomal Recessive and X-Linked Classification Criteria (2023). Collection method: clinical testing. Allele origin: unknown.
Comment: NM_000466.2(PEX1):c.2199C>A(C733*) is expected to be pathogenic in the context of peroxisome biogenesis disorder type 1. This variant is predicted to lead to an abnormal or absent protein product due to the creation of a premature termination codon in PEX1, a gene where loss-of-function variants are known to be pathogenic. Please note: this variant was assessed in the context of healthy population screening.

NM_000466.3(PEX1):c.2199C>A (p.Cys733Ter)

Gene: PEX1 (peroxisomal biogenesis factor 1; minus strand). Cytogenetic location: 7q21.2.
Variant type: single nucleotide variant.
Coding change: c.2199C>A on transcript NM_000466.3 (MANE Select); coding-DNA position 2199, C replaced by A.
Protein change: p.Cys733Ter; replaces cysteine 733 with a stop codon.
Molecular consequence: nonsense.
Genome position (GRCh38, 1-based): chr7:92,503,068, G>T on the plus strand (C>A on the coding strand, the complement: PEX1 is on the minus strand). VCF-style: chr7-92503068-G-T. GRCh37 (hg19) VCF-style: chr7-92132382-G-T.
Other names: c.2028C>A, p.Cys676Ter (NM_001282677.2); c.1575C>A, p.Cys525Ter (NM_001282678.2); short protein forms C525*, C676*, C733*.
Identifiers: ClinVar variation 1726416 (VCV001726416.4), dbSNP rs758268792, ClinGen allele CA368181269.